The following is an entry in ClinVar:

NC_000005.10:g.(?_148136963)_(148137011_?)del

Gene: SPINK5 (serine peptidase inhibitor Kazal type 5; plus strand). Cytogenetic location: 5q32.
Variant type: Deletion.
Identifiers: ClinVar variation 663952 (VCV000663952.7).

ClinVar aggregate classification (germline): Uncertain significance (1 of 4 stars; one submission).

Conditions:
Ichthyosis linearis circumflexa. Identifiers: MedGen C0265962, MONDO:0043106, HP:0025810.

Submission:

Labcorp Genetics (formerly Invitae), Labcorp
Classification: Uncertain significance for Ichthyosis linearis circumflexa. Last evaluated: 2018-09-12. Review status: criteria provided, single submitter. Criteria: Invitae Variant Classification Sherloc (09022015). Collection method: clinical testing. Allele origin: germline.
Comment: In summary, the available evidence is currently insufficient to determine the role of this variant in disease. Therefore, it has been classified as a Variant of Uncertain Significance. Experimental studies and prediction algorithms are not available for this variant, and the functional significance of the affected amino acid(s) is currently unknown. This variant has not been reported in the literature in individuals with SPINK5-related disease. This variant is a gross deletion of the 3'UTR of the SPINK5 gene (c.*18_*1416del).¬†It does not directly change the encoded amino acid sequence of the SPINK5 protein.